The following is an entry in ClinVar:

ClinVar aggregate classification (germline): Uncertain significance. Review status: criteria provided, multiple submitters, no conflicts (2 of 4 stars). 2 submissions from 2 submitters: Uncertain significance (2). Last evaluated 2025-12-24.

Conditions:
Congenital factor V deficiency. Also called: Hereditary factor V deficiency disease; LABILE FACTOR DEFICIENCY; OWREN PARAHEMOPHILIA; PARAHEMOPHILIA. Identifiers: Orphanet 326, MedGen C0015499, MONDO:0009210, OMIM 227400.
Inborn genetic diseases. Identifiers: MedGen C0950123, MeSH D030342.

Submissions (2):

Labcorp Genetics (formerly Invitae), Labcorp
Classification: Uncertain significance for Congenital factor V deficiency. Last evaluated: 2025-12-24. Review status: criteria provided, single submitter. Criteria: Invitae Variant Classification Sherloc (09022015). Collection method: clinical testing. Allele origin: germline.
Comment: This sequence change replaces threonine, which is neutral and polar, with alanine, which is neutral and non-polar, at codon 607 of the F5 protein (p.Thr607Ala). This variant is present in population databases (rs753776760, gnomAD 0.009%). This variant has not been reported in the literature in individuals affected with F5-related conditions. ClinVar contains an entry for this variant (Variation ID: 3847033). Invitae Evidence Modeling of protein sequence and biophysical properties (such as structural, functional, and spatial information, amino acid conservation, physicochemical variation, residue mobility, and thermodynamic stability) indicates that this missense variant is expected to disrupt F5 protein function with a positive predictive value of 80%. In summary, the available evidence is currently insufficient to determine the role of this variant in disease. Therefore, it has been classified as a Variant of Uncertain Significance.

Ambry Genetics
Classification: Uncertain significance for Inborn genetic diseases. Last evaluated: 2025-02-25. Review status: criteria provided, single submitter. Criteria: Ambry Variant Classification Scheme 2023. Collection method: clinical testing. Allele origin: germline.

NM_000130.5(F5):c.1819A>G (p.Thr607Ala)

Gene: F5 (coagulation factor V; minus strand). Cytogenetic location: 1q24.2.
Variant type: single nucleotide variant.
Coding change: c.1819A>G on transcript NM_000130.5 (MANE Select); coding-DNA position 1819, A replaced by G.
Protein change: p.Thr607Ala; replaces threonine 607 with alanine.
Molecular consequence: missense variant.
Genome position (GRCh38, 1-based): chr1:169,544,452, T>C on the plus strand (A>G on the coding strand, the complement: F5 is on the minus strand). VCF-style: chr1-169544452-T-C. GRCh37 (hg19) VCF-style: chr1-169513690-T-C.
Other names: short protein forms T607A.
Identifiers: ClinVar variation 3847033 (VCV003847033.2).